The following is an entry in ClinVar:

NM_181882.3(PRX):c.4335_4336del (p.Ala1447fs)

Gene: PRX (periaxin; minus strand). Cytogenetic location: 19q13.2.
Variant type: Deletion.
Coding change: c.4335_4336del on transcript NM_181882.3 (MANE Select); coding-DNA positions 4335 to 4336, 2 bases deleted (AG; older notation c.4335_4336delAG).
Protein change: p.Ala1447fs; shifts the reading frame from alanine 1447.
Molecular consequence: frameshift variant. On other transcripts: 3 prime UTR variant (1).
Genome position (GRCh38, 1-based): chr19:40,394,016-40,394,017, CT deleted on the plus strand (AG on the coding strand, the reverse complement: PRX is on the minus strand). VCF-style (leftmost placement, unchanged base first): chr19-40394015-CCT-C. GRCh37 (hg19) VCF-style: chr19-40899922-CCT-C.
Other names: c.*4540_*4541del (NM_020956.2); c.*4540_*4541delAG (NM_020956.2); short protein forms A1447fs.
Identifiers: ClinVar variation 917233 (VCV000917233.6), dbSNP rs778270475, ClinGen allele CA9443632.

ClinVar aggregate classification (germline): Uncertain significance. Review status: criteria provided, multiple submitters, no conflicts (2 of 4 stars). 3 submissions from 3 submitters: Uncertain significance (3). Last evaluated 2020-02-24.

Conditions:
Charcot-Marie-Tooth disease. Also called: Charcot-Marie-Tooth Hereditary Neuropathy; Charcot-Marie-Tooth Neuropathy. Identifiers: Orphanet 166, MedGen C0007959, MONDO:0015626.
Charcot-Marie-Tooth disease type 4. Also called: Charcot-Marie-Tooth, Type 4; Charcot-Marie-Tooth disease, type IV. Identifiers: Orphanet 64749, MedGen C4082197, MONDO:0018995.

Allele frequency attached by ClinVar (database versions not stated): gnomAD 0.00001; gnomAD exomes 0.00001; ExAC 0.00002.

Submissions (3):

Labcorp Genetics (formerly Invitae), Labcorp
Classification: Uncertain significance for Charcot-Marie-Tooth disease type 4. Last evaluated: 2020-02-24. Review status: criteria provided, single submitter. Criteria: Invitae Variant Classification Sherloc (09022015). Collection method: clinical testing. Allele origin: germline.
Comment: This sequence change results in a premature translational stop signal in the PRX gene (p.Ala1447Serfs*40). While this is not anticipated to result in nonsense mediated decay, it is expected to disrupt the last 15 amino acids of the PRX protein and extend the protein by an additional 24 amino acids. This variant is present in population databases (rs778270475, ExAC 0.003%). This variant has not been reported in the literature in individuals with PRX-related conditions. In summary, the available evidence is currently insufficient to determine the role of this variant in disease. Therefore, it has been classified as a Variant of Uncertain Significance.

GeneDx
Classification: Uncertain significance. Last evaluated: 2019-10-24. Review status: criteria provided, single submitter. Criteria: GeneDx Variant Classification Process June 2021. Collection method: clinical testing. Allele origin: germline. Affected: yes.
Comment: Not observed at a significant frequency in large population cohorts (Lek et al., 2016); Has not been previously published as pathogenic or benign to our knowledge

Molecular Genetics Laboratory, London Health Sciences Centre
Classification: Uncertain significance for Charcot-Marie-Tooth disease. Review status: criteria provided, single submitter. Criteria: ACMG Guidelines, 2015. Collection method: clinical testing. Allele origin: germline. Affected: yes.